The following is an entry in ClinVar:

ClinVar aggregate classification (germline): Uncertain significance. Review status: criteria provided, multiple submitters, no conflicts (2 of 4 stars). 2 submissions from 2 submitters: Uncertain significance (2). Last evaluated 2025-02-06.

Conditions:
Autosomal recessive ataxia, Beauce type. Also called: Spinocerebellar ataxia, autosomal recessive 8; ATAXIA, RECESSIVE, OF BEAUCE; SYNE1 Deficiency; SYNE1-Related Autosomal Recessive Cerebellar Ataxia. Identifiers: Orphanet 88644, MedGen C1853116, MONDO:0012549, OMIM 610743.
Emery-Dreifuss muscular dystrophy 4, autosomal dominant (EDMD4). Also called: EMERY-DREIFUSS MUSCULAR DYSTROPHY 4 WITH VARIABLE FEATURES. Identifiers: Orphanet 261, MedGen C2751807, MONDO:0013071, OMIM 612998.

Allele frequency attached by ClinVar (database versions not stated): gnomAD exomes 0.00001; ExAC 0.00002; TOPMed 0.00002; gnomAD 0.00003.
gnomAD v4.1: 7 of 1,612,638 alleles (0.00043%); highest among the groups gnomAD compares: African/African-American, 0.0094%; no homozygotes.

Submissions (2):

Labcorp Genetics (formerly Invitae), Labcorp
Classification: Uncertain significance for Emery-Dreifuss muscular dystrophy 4, autosomal dominant; Autosomal recessive ataxia, Beauce type. Last evaluated: 2025-02-06. Review status: criteria provided, single submitter. Criteria: Invitae Variant Classification Sherloc (09022015). Collection method: clinical testing. Allele origin: germline.
Comment: This sequence change replaces leucine, which is neutral and non-polar, with tryptophan, which is neutral and slightly polar, at codon 2258 of the SYNE1 protein (p.Leu2258Trp). This variant is present in population databases (rs773888851, gnomAD 0.02%). This variant has not been reported in the literature in individuals affected with SYNE1-related conditions. ClinVar contains an entry for this variant (Variation ID: 3252125). An algorithm developed to predict the effect of missense changes on protein structure and function (PolyPhen-2) suggests that this variant is likely to be tolerated. In summary, the available evidence is currently insufficient to determine the role of this variant in disease. Therefore, it has been classified as a Variant of Uncertain Significance.

GeneDx
Classification: Uncertain significance. Last evaluated: 2024-03-11. Review status: criteria provided, single submitter. Criteria: GeneDx Variant Classification Process June 2021. Collection method: clinical testing. Allele origin: germline. Affected: yes.
Comment: Not observed at significant frequency in large population cohorts (gnomAD); In silico analysis supports that this missense variant has a deleterious effect on protein structure/function; Has not been previously published as pathogenic or benign to our knowledge

NM_182961.4(SYNE1):c.6752T>G (p.Leu2251Trp)

Genes: SYNE1 (spectrin repeat containing nuclear envelope protein 1; minus strand), SYNE1-AS2 (SYNE1 antisense RNA 2; plus strand). Cytogenetic location: 6q25.2.
Variant type: single nucleotide variant.
Coding change: c.6752T>G on transcript NM_182961.4 (MANE Select); coding-DNA position 6752, T replaced by G.
Protein change: p.Leu2251Trp; replaces leucine 2251 with tryptophan.
Molecular consequence: missense variant.
Genome position (GRCh38, 1-based): chr6:152,404,286, A>C on the plus strand (T>G on the coding strand, the complement: SYNE1 is on the minus strand). VCF-style: chr6-152404286-A-C. GRCh37 (hg19) VCF-style: chr6-152725421-A-C.
Other names: c.6773T>G, p.Leu2258Trp (NM_033071.5); short protein forms L2251W, L2258W.
Identifiers: ClinVar variation 3252125 (VCV003252125.3), dbSNP rs773888851.